The following is an entry in ClinVar:

ClinVar aggregate classification (germline): Benign/Likely benign. Review status: criteria provided, multiple submitters, no conflicts (2 of 4 stars). 2 submissions from 2 submitters: Benign (1); Likely benign (1). Last evaluated 2025-12-05.

Conditions:
Familial sleep-related hypermotor epilepsy. Also called: Autosomal Dominant Sleep-Related Hypermotor (Hyperkinetic) Epilepsy. Identifiers: Orphanet 98784, MedGen C3696898, MONDO:0000030.

Allele frequency attached by ClinVar (database versions not stated): 1000 Genomes Project 0.00020; gnomAD 0.00005; TOPMed 0.00008; ExAC 0.00010; 1000 Genomes Project 30x 0.00016; gnomAD exomes 0.00007.
gnomAD v4.1: 114 of 1,614,186 alleles (0.0071%); highest among the groups gnomAD compares: African/African-American, 0.023%; 1 homozygote.

Submissions (2):

Labcorp Genetics (formerly Invitae), Labcorp
Classification: Likely benign. Last evaluated: 2025-12-05. Review status: criteria provided, single submitter. Criteria: Invitae Variant Classification Sherloc (09022015). Collection method: clinical testing. Allele origin: germline.

GeneDx
Classification: Benign. Last evaluated: 2015-08-06. Review status: criteria provided, single submitter. Criteria: GeneDx Variant Classification (06012015). Collection method: clinical testing. Allele origin: germline. Affected: yes.
Comment: This variant is considered likely benign or benign based on one or more of the following criteria: it is a conservative change, it occurs at a poorly conserved position in the protein, it is predicted to be benign by multiple in silico algorithms, and/or has population frequency not consistent with disease.

NM_000742.4(CHRNA2):c.168C>T (p.Thr56=)

Gene: CHRNA2 (cholinergic receptor nicotinic alpha 2 subunit; minus strand). Cytogenetic location: 8p21.2.
Variant type: single nucleotide variant.
Coding change: c.168C>T on transcript NM_000742.4 (MANE Select); coding-DNA position 168, C replaced by T.
Protein change: p.Thr56=; no amino-acid change (threonine 56 retained).
Molecular consequence: synonymous variant. On other transcripts: 5 prime UTR variant (4).
Genome position (GRCh38, 1-based): chr8:27,469,887, G>A on the plus strand (C>T on the coding strand, the complement: CHRNA2 is on the minus strand). VCF-style: chr8-27469887-G-A. GRCh37 (hg19) VCF-style: chr8-27327404-G-A.
Other names: c.168C>T, p.Thr56= (NM_001282455.2); c.-260C>T (NM_001347705.2); c.-305C>T (NM_001347706.2); c.-246C>T (NM_001347707.2); c.-294C>T (NM_001347708.2).
Identifiers: ClinVar variation 377663 (VCV000377663.8), dbSNP rs200729883, ClinGen allele CA4689776.
Genomic context (GRCh38, chr8:27,469,887, plus strand): 5'-CGGGCGCGCCCAGCGGTTGTAGCCCCGGAAGAGGTGTTTGAAGAGCCGGTCCTCAGTCTC[G>A]GTATGCGAGCCTCCCTGCGGCAATGCCGTGGGACTGGGAGAGGAGAGTGGGTCTCCAGGA-3'
Protein context (NP_000733.2, residues 46-66): PTALPQGGSH[Thr56=]ETEDRLFKHL